The following is an entry in ClinVar:

ClinVar aggregate classification (germline): Uncertain significance (1 of 4 stars; one submission).

Conditions:
ERAL1-related disorder. Also called: ERAL1-related condition.

gnomAD v4.1: 110 of 1,613,540 alleles (0.0068%); highest among the groups gnomAD compares: Non-Finnish European, 0.0087%; no homozygotes.

Submission:

PreventionGenetics, part of Exact Sciences
Classification: Uncertain significance for ERAL1-related condition. Last evaluated: 2025-10-06. Review status: criteria provided, single submitter. Criteria: ACMG Guidelines, 2015. Collection method: clinical testing. Allele origin: germline.
Comment: The ERAL1 c.412-3C>T variant is predicted to interfere with splicing. This variant is predicted to alter splicing based on available splicing prediction software (SpliceAI, Jaganathan et al. 2019. PubMed ID: 30661751). However, the use of computer prediction softwares is not equivalent to functional evidence. To our knowledge, this variant has not been reported in the literature. This variant is reported in 0.018% of alleles in individuals of African descent in gnomAD. At this time, the clinical significance of this variant is uncertain due to the absence of conclusive functional and genetic evidence.

NM_005702.4(ERAL1):c.412-3C>T

Gene: ERAL1 (Era like 12S mitochondrial rRNA chaperone 1; plus strand). Cytogenetic location: 17q11.2.
Variant type: single nucleotide variant.
Coding change: c.412-3C>T on transcript NM_005702.4 (MANE Select); 3 bases into the intron before coding-DNA position 412, C replaced by T.
Molecular consequence: intron variant.
Genome position (GRCh38, 1-based): chr17:28,856,502, C>T. VCF-style: chr17-28856502-C-T. GRCh37 (hg19) VCF-style: chr17-27183520-C-T.
Other names: c.412-3C>T (NM_001317986.2, NM_001317985.2).
Identifiers: ClinVar variation 4981333 (VCV004981333.1).